The following is an entry in ClinVar:

ClinVar aggregate classification (germline): Likely pathogenic (1 of 4 stars; one submission).

Submission:

Labcorp Genetics (formerly Invitae), Labcorp
Classification: Likely pathogenic. Last evaluated: 2024-01-23. Review status: criteria provided, single submitter. Criteria: Invitae Variant Classification Sherloc (09022015). Collection method: clinical testing. Allele origin: unknown.
Comment: This variant results in the deletion of exon(s) 11-18 and part of exon 10 (c.1980_4316-8del) of the TUBGCP6 gene. It is expected to disrupt RNA splicing. Variants that disrupt the donor or acceptor splice site typically lead to a loss of protein function (PMID: 16199547), and loss-of-function variants in TUBGCP6 are known to be pathogenic (PMID: 25344692). This variant has not been reported in the literature in individuals affected with TUBGCP6-related conditions. This variant disrupts a region of the TUBGCP6 protein in which other variant(s) (p.Glu849Gly) have been observed in individuals with TUBGCP6-related conditions (PMID: 25344692). This suggests that this is a clinically significant region of the protein, and that variants that disrupt it are likely to be disease-causing. In summary, the currently available evidence indicates that the variant is pathogenic, but additional data are needed to prove that conclusively. Therefore, this variant has been classified as Likely Pathogenic.

Literature cited by the submitters: PubMed 16199547; PubMed 25344692.

NC_000022.10:g.(?_50657893)_(50664226_?)del

Gene: TUBGCP6 (tubulin gamma complex component 6; minus strand). Cytogenetic location: 22q13.33.
Variant type: Deletion.
Identifiers: ClinVar variation 3248132 (VCV003248132.1).